The following is an entry in ClinVar:

ClinVar aggregate classification (germline): Uncertain significance (1 of 4 stars; one submission).

Submission:

Labcorp Genetics (formerly Invitae), Labcorp
Classification: Uncertain significance. Last evaluated: 2023-02-15. Review status: criteria provided, single submitter. Criteria: Invitae Variant Classification Sherloc (09022015). Collection method: clinical testing. Allele origin: germline.
Comment: In summary, the available evidence is currently insufficient to determine the role of this variant in disease. Therefore, it has been classified as a Variant of Uncertain Significance. Advanced modeling of protein sequence and biophysical properties (such as structural, functional, and spatial information, amino acid conservation, physicochemical variation, residue mobility, and thermodynamic stability) performed at Invitae indicates that this missense variant is not expected to disrupt DNA2 protein function. This variant has not been reported in the literature in individuals affected with DNA2-related conditions. This variant is not present in population databases (gnomAD no frequency). This sequence change replaces arginine, which is basic and polar, with serine, which is neutral and polar, at codon 798 of the DNA2 protein (p.Arg798Ser).

NM_001080449.3(DNA2):c.2392C>A (p.Arg798Ser)

Gene: DNA2 (DNA replication helicase/nuclease 2; minus strand). Cytogenetic location: 10q21.3.
Variant type: single nucleotide variant.
Coding change: c.2392C>A on transcript NM_001080449.3 (MANE Select); coding-DNA position 2392, C replaced by A.
Protein change: p.Arg798Ser; replaces arginine 798 with serine.
Molecular consequence: missense variant. On other transcripts: non-coding transcript variant (1).
Genome position (GRCh38, 1-based): chr10:68,422,707, G>T on the plus strand (C>A on the coding strand, the complement: DNA2 is on the minus strand). VCF-style: chr10-68422707-G-T. GRCh37 (hg19) VCF-style: chr10-70182464-G-T.
Other names: short protein forms R798S.
Identifiers: ClinVar variation 2836080 (VCV002836080.3), dbSNP rs778664121, ClinGen allele CA376848213.